The following is an entry in ClinVar:

NM_173598.6(KSR2):c.2713-3T>C

Gene: KSR2 (kinase suppressor of ras 2; minus strand). Cytogenetic location: 12q24.22.
Variant type: single nucleotide variant.
Coding change: c.2713-3T>C on transcript NM_173598.6 (MANE Select); 3 bases into the intron before coding-DNA position 2713, T replaced by C.
Molecular consequence: intron variant.
Genome position (GRCh38, 1-based): chr12:117,469,798, A>G on the plus strand (T>C on the coding strand, the complement: KSR2 is on the minus strand). VCF-style: chr12-117469798-A-G. GRCh37 (hg19) VCF-style: chr12-117907603-A-G.
Identifiers: ClinVar variation 3355277 (VCV003355277.1).
Genomic context (GRCh38, chr12:117,469,798, plus strand): 5'-GCTTGGTGAAGGTAGGTCTCTCTTCTTGTTCAAAGGCCCAGCAGAAGAGAAGAATGTCCT[A>G]AATGAAACCAATGTGTGGTGATTACACATAAATGGTGATTTCTTGATTACTCTTTGGCAT-3'

ClinVar aggregate classification (germline): Likely benign (0 of 4 stars; one submission).

Conditions:
KSR2-related disorder. Also called: KSR2-related condition.

Submission:

PreventionGenetics, part of Exact Sciences
Classification: Likely benign for KSR2-related condition. Last evaluated: 2022-01-13. Review status: no assertion criteria provided. Collection method: clinical testing. Allele origin: germline.
Comment: This variant is classified as likely benign based on ACMG/AMP sequence variant interpretation guidelines (Richards et al. 2015 PMID: 25741868, with internal and published modifications).